The following is an entry in ClinVar:

ClinVar aggregate classification (germline): Uncertain significance. Review status: criteria provided, single submitter (1 of 4 stars). 2 submissions from 2 submitters: Uncertain significance (1). 1 of the submissions does not count toward it.

Allele frequency attached by ClinVar (database versions not stated): gnomAD exomes 0.00006 and 0.00012; ExAC 0.00008; ESP Exome Variant Server 0.00015; gnomAD 0.00015 and 0.00016; TOPMed 0.00014.
gnomAD v4.1: 192 of 1,610,324 alleles (0.012%); highest among the groups gnomAD compares: Admixed American, 0.017%; no homozygotes.

Submissions (2):

Breakthrough Genomics
Classification: Uncertain significance. Review status: criteria provided, single submitter. Criteria: ACMG Guidelines, 2015. Collection method: not provided. Allele origin: germline. Inheritance: Autosomal recessive inheritance. Affected: yes.

Department of Pathology and Laboratory Medicine, Sinai Health System
Classification: Uncertain significance. Review status: no assertion criteria provided. Collection method: clinical testing. Allele origin: unknown. Affected: yes. Study: The Canadian Open Genetics Repository (COGR). Not counted in ClinVar's aggregate classification.
Comment: The ERCC8 p.Arg198* variant was not identified in ClinVar. The variant was identified in dbSNP (ID:rs369365521). The c.XXX variant leads to a premature stop codon at position XXXX which is predicted to lead to a truncated or absent protein and loss of function. Loss of function variants of the [GENE NAME] gene are an established mechanism of disease in [DISEASE NAME] and is the type of variant expected to cause the disorder.

NM_000082.4(ERCC8):c.550+42C>T

Gene: ERCC8 (ERCC excision repair 8, CSA ubiquitin ligase complex subunit; minus strand). Cytogenetic location: 5q12.1.
Variant type: single nucleotide variant.
Coding change: c.550+42C>T on transcript NM_000082.4 (MANE Select); 42 bases into the intron after coding-DNA position 550, C replaced by T.
Molecular consequence: intron variant. On other transcripts: nonsense (1).
Genome position (GRCh38, 1-based): chr5:60,903,606, G>A on the plus strand (C>T on the coding strand, the complement: ERCC8 is on the minus strand). VCF-style: chr5-60903606-G-A. GRCh37 (hg19) VCF-style: chr5-60199433-G-A.
Other names: c.592C>T, p.Arg198Ter (NM_001007234.3); c.91+42C>T (NM_001290285.2); c.376+42C>T (NM_001007233.3); short protein forms R198*.
Identifiers: ClinVar variation 1050719 (VCV001050719.2), dbSNP rs369365521, ClinGen allele CA3277813.
Genomic context (GRCh38, chr5:60,903,606, plus strand): 5'-TACATTAGTCATGTCACTTACAAAGAATACACTGTTAGTAACGTTTCTTTTTATTGAATC[G>A]TTTACTCAAAGTAGTTGCCGTTTGAAATAAAATAAAAATACCCTGTAGAATGTGAGAACA-3'